The following is an entry in ClinVar:

NM_014844.5(TECPR2):c.1274del (p.Pro425fs)

Gene: TECPR2 (tectonin beta-propeller repeat containing 2; plus strand). Cytogenetic location: 14q32.31.
Variant type: Deletion.
Coding change: c.1274del on transcript NM_014844.5 (MANE Select); coding-DNA position 1274, one base deleted (C; older notation c.1274delC).
Protein change: p.Pro425fs; shifts the reading frame from proline 425.
Molecular consequence: frameshift variant.
Genome position (GRCh38, 1-based): chr14:102,431,985, C deleted; the last of 5 consecutive C bases (chr14:102,431,981-102,431,985); deleting any one gives the same sequence. VCF-style (leftmost placement, unchanged base first): chr14-102431980-GC-G. GRCh37 (hg19) VCF-style: chr14-102898317-GC-G.
Other names: c.1274del, p.Pro425fs (NM_001172631.3); short protein forms P425fs.
Identifiers: ClinVar variation 4815738 (VCV004815738.1).

ClinVar aggregate classification (germline): Likely pathogenic (1 of 4 stars; one submission).

Conditions:
Hereditary spastic paraplegia 49 (HSAN9). Also called: TECPR2-Related Hereditary Sensory and Autonomic Neuropathy with Intellectual Disability; Spastic paraplegia 49, autosomal recessive; NEUROPATHY, HEREDITARY SENSORY AND AUTONOMIC, TYPE IX, WITH DEVELOPMENTAL DELAY. Identifiers: Orphanet 320385, MedGen C5190860, MONDO:0014016, OMIM 615031.

Submission:

Natera, Inc.
Classification: Likely pathogenic for Autosomal recessive spastic paraplegia type 49. Last evaluated: 2025-09-30. Review status: criteria provided, single submitter. Criteria: Natera Variant Classification Schema (03/2026). Collection method: clinical testing. Allele origin: germline.
Comment: The c.1274del variant in TECPR2 is a frameshift variant predicted to shift the reading frame beginning at codon 425 and leads to a stop codon 34 codons downstream. This variant is expected to result in nonsense mediated decay, truncation, or a dysfunctional protein product. This variant is rare in the general population with a frequency below the threshold expected for the associated phenotype(s). Given the available evidence, this variant is classified as Likely Pathogenic.